The following is an entry in ClinVar:

ClinVar aggregate classification (germline): Conflicting classifications of pathogenicity. Review status: criteria provided, conflicting classifications (1 of 4 stars). 3 submissions from 3 submitters: Uncertain significance (2); Likely benign (1). Last evaluated 2024-03-05.

Conditions:
Arrhythmogenic cardiomyopathy with wooly hair and keratoderma. Also called: Carvajal syndrome; Dilated cardiomyopathy with woolly hair and keratoderma; PALMOPLANTAR KERATODERMA WITH LEFT VENTRICULAR CARDIOMYOPATHY AND WOOLLY HAIR; Arrhythmogenic cardiomyopathy with woolly hair and keratoderma. Identifiers: Orphanet 65282, MedGen C1854063, MONDO:0011581, OMIM 605676.
Arrhythmogenic right ventricular dysplasia 8 (ARVD8). Also called: Arrhythmogenic Right Ventricular Dysplasia/Cardiomyopathy 8; ARRHYTHMOGENIC RIGHT VENTRICULAR CARDIOMYOPATHY 8; ARRHYTHMOGENIC RIGHT VENTRICULAR DYSPLASIA, FAMILIAL, 8. Identifiers: MedGen C1843896, MONDO:0011831, OMIM 607450.

Allele frequency attached by ClinVar (database versions not stated): ExAC 0.00002; gnomAD exomes 0.00003.
gnomAD v4.1: 12 of 1,614,158 alleles (0.00074%); highest among the groups gnomAD compares: South Asian, 0.013%; no homozygotes.

Submissions (3):

All of Us Research Program, National Institutes of Health
Classification: Uncertain significance for Arrhythmogenic cardiomyopathy with wooly hair and keratoderma. Last evaluated: 2024-03-05. Review status: criteria provided, single submitter. Criteria: ACMG Guidelines, 2015. Collection method: clinical testing. Allele origin: germline. Inheritance: Autosomal dominant inheritance. Observed: 1 variant allele, 1 heterozygote.
Comment: This study involves interpretation of variants in research participants for the purpose of population health screening. Participant phenotype was not available at the time of variant classification. Additional details can be found in publication PMID: 35346344, PMCID: PMC8962531

Labcorp Genetics (formerly Invitae), Labcorp
Classification: Likely benign for Arrhythmogenic cardiomyopathy with wooly hair and keratoderma; Arrhythmogenic right ventricular dysplasia 8. Last evaluated: 2023-09-17. Review status: criteria provided, single submitter. Criteria: Invitae Variant Classification Sherloc (09022015). Collection method: clinical testing. Allele origin: germline.

GeneDx
Classification: Uncertain significance. Last evaluated: 2020-02-26. Review status: criteria provided, single submitter. Criteria: GeneDx Variant Classification Process June 2021. Collection method: clinical testing. Allele origin: germline. Affected: yes.
Comment: Has not been previously published as pathogenic or benign to our knowledge; In silico analysis supports that this missense variant does not alter protein structure/function

NM_004415.4(DSP):c.256G>C (p.Glu86Gln)

Gene: DSP (desmoplakin; plus strand). Cytogenetic location: 6p24.3.
Variant type: single nucleotide variant.
Coding change: c.256G>C on transcript NM_004415.4 (MANE Select); coding-DNA position 256, G replaced by C.
Protein change: p.Glu86Gln; replaces glutamic acid 86 with glutamine.
Molecular consequence: missense variant.
Genome position (GRCh38, 1-based): chr6:7,555,803, G>C. VCF-style: chr6-7555803-G-C. GRCh37 (hg19) VCF-style: chr6-7556036-G-C.
Other names: c.256G>C, p.Glu86Gln (NM_001319034.2, NM_001008844.3); short protein forms E86Q.
Identifiers: ClinVar variation 1312551 (VCV001312551.6), dbSNP rs764993760, ClinGen allele CA033982.